The following is an entry in ClinVar:

NM_000206.3(IL2RG):c.215G>T (p.Cys72Phe)

Gene: IL2RG (interleukin 2 receptor subunit gamma; minus strand). Cytogenetic location: Xq13.1.
Variant type: single nucleotide variant.
Coding change: c.215G>T on transcript NM_000206.3 (MANE Select); coding-DNA position 215, G replaced by T.
Protein change: p.Cys72Phe; replaces cysteine 72 with phenylalanine.
Molecular consequence: missense variant.
Genome position (GRCh38, 1-based): chrX:71,110,951, C>A on the plus strand (G>T on the coding strand, the complement: IL2RG is on the minus strand). VCF-style: chrX-71110951-C-A. GRCh37 (hg19) VCF-style: chrX-70330801-C-A.
Other names: short protein forms C72F.
Identifiers: ClinVar variation 463380 (VCV000463380.8), dbSNP rs1556330960, ClinGen allele CA413497083.

ClinVar aggregate classification (germline): Uncertain significance (1 of 4 stars; one submission).

Conditions:
X-linked severe combined immunodeficiency (SCIDX1). Also called: T-B+ severe combined immunodeficiency due to gamma chain deficiency; IMMUNODEFICIENCY 4; X-Linked Combined Immunodeficiency Diseases; SCID, X-LINKED; SEVERE COMBINED IMMUNODEFICIENCY, X-LINKED, T CELL-NEGATIVE, B CELL-POSITIVE, NK CELL-NEGATIVE. Identifiers: Orphanet 276, MedGen C6022468, MONDO:0010315, OMIM 300400. Disease mechanism: loss of function.

Submission:

Labcorp Genetics (formerly Invitae), Labcorp
Classification: Uncertain significance for X-linked severe combined immunodeficiency. Last evaluated: 2017-06-21. Review status: criteria provided, single submitter. Criteria: Invitae Variant Classification Sherloc (09022015). Collection method: clinical testing. Allele origin: germline.
Comment: This variant is not present in population databases (ExAC no frequency). In summary, this variant has uncertain impact on IL2RG function. The available evidence is currently insufficient to determine its role in disease. Therefore, it has been classified as a Variant of Uncertain Significance. Algorithms developed to predict the effect of missense changes on protein structure and function do not agree on the potential impact of this missense change (SIFT: "Deleterious"; PolyPhen-2: "Probably Damaging"; Align-GVGD: "Class C0"). This variant has not been reported in the literature in individuals with a IL2RG-related disease. This sequence change replaces cysteine with phenylalanine at codon 72 of the IL2RG protein (p.Cys72Phe). The cysteine residue is highly conserved and there is a large physicochemical difference between cysteine and phenylalanine.